The following is an entry in ClinVar:

NM_005502.4(ABCA1):c.2855C>T (p.Pro952Leu)

Gene: ABCA1 (ATP binding cassette subfamily A member 1; minus strand). Cytogenetic location: 9q31.1.
Variant type: single nucleotide variant.
Coding change: c.2855C>T on transcript NM_005502.4 (MANE Select); coding-DNA position 2855, C replaced by T.
Protein change: p.Pro952Leu; replaces proline 952 with leucine.
Molecular consequence: missense variant.
Genome position (GRCh38, 1-based): chr9:104,821,480, G>A on the plus strand (C>T on the coding strand, the complement: ABCA1 is on the minus strand). VCF-style: chr9-104821480-G-A. GRCh37 (hg19) VCF-style: chr9-107583761-G-A.
Other names: short protein forms P952L.
Identifiers: ClinVar variation 2454050 (VCV002454050.2), dbSNP rs2538145770, ClinGen allele CA374320028.

ClinVar aggregate classification (germline): Uncertain significance (1 of 4 stars; one submission).

Conditions:
Cardiovascular phenotype. Identifiers: MedGen CN230736.

Allele frequency attached by ClinVar (database versions not stated): gnomAD exomes 0.00001.
gnomAD v4.1: 7 of 1,613,792 alleles (0.00043%); highest among the groups gnomAD compares: Non-Finnish European, 0.00059%; no homozygotes.

Submission:

Ambry Genetics
Classification: Uncertain significance for Cardiovascular phenotype. Last evaluated: 2023-02-18. Review status: criteria provided, single submitter. Criteria: Ambry Variant Classification Scheme 2023. Collection method: clinical testing. Allele origin: germline.
Comment: The p.P952L variant (also known as c.2855C>T), located in coding exon 19 of the ABCA1 gene, results from a C to T substitution at nucleotide position 2855. The proline at codon 952 is replaced by leucine, an amino acid with similar properties. This amino acid position is conserved. In addition, this alteration is predicted to be deleterious by in silico analysis. Since supporting evidence is limited at this time, the clinical significance of this alteration remains unclear.